The following is an entry in ClinVar:

ClinVar aggregate classification (germline): Uncertain significance (1 of 4 stars; one submission).

Allele frequency attached by ClinVar (database versions not stated): ExAC 0.00002; gnomAD exomes 0.00003; TOPMed 0.00003; ESP Exome Variant Server 0.00008; gnomAD 0.00004.
gnomAD v4.1: 25 of 1,613,398 alleles (0.0015%); highest among the groups gnomAD compares: Non-Finnish European, 0.0021%; no homozygotes.

Submission:

Labcorp Genetics (formerly Invitae), Labcorp
Classification: Uncertain significance. Last evaluated: 2022-07-30. Review status: criteria provided, single submitter. Criteria: Invitae Variant Classification Sherloc (09022015). Collection method: clinical testing. Allele origin: germline.
Comment: This sequence change replaces isoleucine, which is neutral and non-polar, with valine, which is neutral and non-polar, at codon 171 of the CYP51A1 protein (p.Ile171Val). This variant is present in population databases (rs139239552, gnomAD 0.003%). This variant has not been reported in the literature in individuals affected with CYP51A1-related conditions. Algorithms developed to predict the effect of missense changes on protein structure and function are either unavailable or do not agree on the potential impact of this missense change (SIFT: "Deleterious"; PolyPhen-2: "Benign"; Align-GVGD: "Class C25"). In summary, the available evidence is currently insufficient to determine the role of this variant in disease. Therefore, it has been classified as a Variant of Uncertain Significance.

NM_000786.4(CYP51A1):c.511A>G (p.Ile171Val)

Gene: CYP51A1 (cytochrome P450 family 51 subfamily A member 1; minus strand). Cytogenetic location: 7q21.2.
Variant type: single nucleotide variant.
Coding change: c.511A>G on transcript NM_000786.4 (MANE Select); coding-DNA position 511, A replaced by G.
Protein change: p.Ile171Val; replaces isoleucine 171 with valine.
Molecular consequence: missense variant.
Genome position (GRCh38, 1-based): chr7:92,127,589, T>C on the plus strand (A>G on the coding strand, the complement: CYP51A1 is on the minus strand). VCF-style: chr7-92127589-T-C. GRCh37 (hg19) VCF-style: chr7-91756903-T-C.
Other names: c.196A>G, p.Ile66Val (NM_001146152.2); short protein forms I171V, I66V.
Identifiers: ClinVar variation 2072747 (VCV002072747.4), dbSNP rs139239552, ClinGen allele CA4338541.